The following is an entry in ClinVar:

ClinVar aggregate classification (germline): Conflicting classifications of pathogenicity. Review status: criteria provided, conflicting classifications (1 of 4 stars). 7 submissions from 6 submitters: Uncertain significance (2); Likely benign (3). 2 of the submissions do not count toward it. Last evaluated 2026-01-22.

Conditions:
Retinal dystrophy. Also called: Inherited retinal dystrophy. Identifiers: Orphanet 71862, MedGen C0854723, MeSH D058499, MONDO:0019118, HP:0000556.
Muscle eye brain disease (MEB). Also called: Santavuori congenital muscular dystrophy. Identifiers: Orphanet 588, Orphanet 899, MedGen C0457133, MONDO:0018939.
Congenital Muscular Dystrophy, alpha-dystroglycan related.
POMGNT1-related disorder. Also called: POMGNT1-related condition; POMGNT1-related disorders. Identifiers: MedGen CN239299.
Autosomal recessive limb-girdle muscular dystrophy type 2O. Also called: MUSCULAR DYSTROPHY-DYSTROGLYCANOPATHY (LIMB-GIRDLE), TYPE C, 3; MUSCULAR DYSTROPHY-DYSTROGLYCANOPATHY, LIMB-GIRDLE, POMGNT1-RELATED; Limb-Girdle Muscular Dystrophy Type 3C. Identifiers: Orphanet 206564, MedGen C3150417, MONDO:0013161, OMIM 613157.
Muscular dystrophy-dystroglycanopathy (congenital with impaired intellectual development), type B, 3. Also called: Muscular dystrophy-dystroglycanopathy (congenital with intellectual disability), type B3; MUSCULAR DYSTROPHY, CONGENITAL, POMGNT1-RELATED. Identifiers: MedGen C3150412, MONDO:0013155, OMIM 613151.

Allele frequency attached by ClinVar (database versions not stated): 1000 Genomes Project 30x 0.00156; TOPMed 0.00013; 1000 Genomes Project 0.00180; gnomAD 0.00014 and 0.00021.
gnomAD v4.1: 103 of 1,614,026 alleles (0.0064%); highest among the groups gnomAD compares: East Asian, 0.2%; 1 homozygote.

Submissions (7):

Labcorp Genetics (formerly Invitae), Labcorp
Classification: Likely benign for Autosomal recessive limb-girdle muscular dystrophy type 2O; Muscular dystrophy-dystroglycanopathy (congenital with impaired intellectual development), type B, 3. Last evaluated: 2026-01-22. Review status: criteria provided, single submitter. Criteria: Invitae Variant Classification Sherloc (09022015). Collection method: clinical testing. Allele origin: germline.

Blueprint Genetics
Classification: Likely benign. Last evaluated: 2024-02-19. Review status: criteria provided, single submitter. Criteria: ACMG Guidelines, 2015. Collection method: clinical testing. Allele origin: germline.

Dept Of Ophthalmology, Nagoya University
Classification: Likely benign for Retinal dystrophy. Last evaluated: 2023-10-01. Review status: criteria provided, single submitter. Criteria: Submitter's publication. Collection method: research. Allele origin: germline. Affected: yes.

Illumina Laboratory Services, Illumina
Classification: Uncertain significance for Autosomal recessive limb-girdle muscular dystrophy type 2O. Last evaluated: 2018-01-13. Review status: criteria provided, single submitter. Criteria: ICSL Variant Classification Criteria 13 December 2019. Collection method: clinical testing. Allele origin: germline.

Illumina Laboratory Services, Illumina
Classification: Uncertain significance for Congenital Muscular Dystrophy, alpha-dystroglycan related. Last evaluated: 2018-01-13. Review status: criteria provided, single submitter. Criteria: ICSL Variant Classification Criteria 13 December 2019. Collection method: clinical testing. Allele origin: germline.

PreventionGenetics, part of Exact Sciences
Classification: Likely benign for POMGNT1-related condition. Last evaluated: 2022-07-01. Review status: no assertion criteria provided. Collection method: clinical testing. Allele origin: germline. Not counted in ClinVar's aggregate classification.
Comment: This variant is classified as likely benign based on ACMG/AMP sequence variant interpretation guidelines (Richards et al. 2015 PMID: 25741868, with internal and published modifications).

Natera, Inc.
Classification: Likely benign for Muscle-eye-brain disease. Last evaluated: 2020-05-01. Review status: no assertion criteria provided. Collection method: clinical testing. Allele origin: germline. Not counted in ClinVar's aggregate classification.

NM_017739.4(POMGNT1):c.420G>A (p.Thr140=)

Genes: POMGNT1 (protein O-linked mannose N-acetylglucosaminyltransferase 1 (beta 1,2-); minus strand), TSPAN1 (tetraspanin 1; plus strand). Cytogenetic location: 1p34.1.
Variant type: single nucleotide variant.
Coding change: c.420G>A on transcript NM_017739.4 (MANE Select); coding-DNA position 420, G replaced by A.
Protein change: p.Thr140=; no amino-acid change (threonine 140 retained).
Molecular consequence: synonymous variant. On other transcripts: 5 prime UTR variant (1).
Genome position (GRCh38, 1-based): chr1:46,196,012, C>T on the plus strand (G>A on the coding strand, the complement: POMGNT1 is on the minus strand). VCF-style: chr1-46196012-C-T. GRCh37 (hg19) VCF-style: chr1-46661684-C-T.
Other names: c.420G>A (NM_001243766.1); c.420G>A, p.Thr140= (NM_001243766.2, NM_001410783.1); c.354G>A, p.Thr118= (NM_001290129.3); c.-10G>A (NM_001290130.2).
Identifiers: ClinVar variation 771039 (VCV000771039.19), dbSNP rs146237009, ClinGen allele CA833742.
Genomic context (GRCh38, chr1:46,196,012, plus strand): 5'-TGGTGTCATCAGCAAGAGCCCAGCTCCAGCCCTCTGGGTCACCCACCCCTAGAAACTCAC[C>T]GTGGCCTGGTTGAGGACAATGACATGGATGCCCCGGCCCTGCTCCCGGGCCTCATCCTCC-3'
Protein context (NP_060209.4, residues 130-150): GIHVIVLNQA[Thr140=]GHVMAKRVFD